The following is an entry in ClinVar:

NM_001903.5(CTNNA1):c.1041G>A (p.Leu347=)

Gene: CTNNA1 (catenin alpha 1; plus strand). Cytogenetic location: 5q31.2.
Variant type: single nucleotide variant.
Coding change: c.1041G>A on transcript NM_001903.5 (MANE Select); coding-DNA position 1041, G replaced by A.
Protein change: p.Leu347=; no amino-acid change (leucine 347 retained).
Molecular consequence: synonymous variant.
Genome position (GRCh38, 1-based): chr5:138,827,697, G>A. VCF-style: chr5-138827697-G-A. GRCh37 (hg19) VCF-style: chr5-138163386-G-A.
Other names: c.1041G>A, p.Leu347= (NM_001290307.3, NM_001323982.2, NM_001323983.1 and 3 more transcripts); c.732G>A, p.Leu244= (NM_001290309.3); c.672G>A, p.Leu224= (NM_001290310.3).
Identifiers: ClinVar variation 1128468 (VCV001128468.12), dbSNP rs1760858804, ClinGen allele CA446595555.
Genomic context (GRCh38, chr5:138,827,697, plus strand): 5'-TGACCGTCGTGAGCGAATTGTGGCAGAGTGTAATGCTGTCCGCCAGGCCCTGCAGGACCT[G>A]CTTTCGGAGTACATGGGCAATGTGAGTTTGACAGCTTTTCTTTGAAGTAAGATATTTATG-3'
Protein context (NP_001894.2, residues 337-357): CNAVRQALQD[Leu347=]LSEYMGNAGR

ClinVar aggregate classification (germline): Benign/Likely benign. Review status: criteria provided, multiple submitters, no conflicts (2 of 4 stars). 3 submissions from 3 submitters: Benign (1); Likely benign (2). Last evaluated 2024-10-10.

Conditions:
Hereditary diffuse gastric adenocarcinoma (HDGC). Also called: DIFFUSE GASTRIC AND LOBULAR BREAST CANCER SYNDROME. Identifiers: Orphanet 26106, MedGen C1708349, MONDO:0007648, OMIM 137215.
Hereditary cancer-predisposing syndrome. Also called: Neoplastic Syndromes, Hereditary; Tumor predisposition; Hereditary Cancer Syndrome; Hereditary neoplastic syndrome. Identifiers: Orphanet 140162, MedGen C0027672, MeSH D009386, MONDO:0015356.

Allele frequency attached by ClinVar (database versions not stated): gnomAD 0.00001.
gnomAD v4.1: 1 of 1,614,074 alleles (0.000062%); highest among the groups gnomAD compares: Admixed American, 0.0017%; no homozygotes.

Submissions (3):

Myriad Genetics, Inc.
Classification: Benign for Hereditary diffuse gastric adenocarcinoma. Last evaluated: 2024-10-10. Review status: criteria provided, single submitter. Criteria: Myriad Autosomal Dominant, Autosomal Recessive and X-Linked Classification Criteria (2023). Collection method: clinical testing. Allele origin: unknown.
Comment: This variant is considered benign. This variant is a silent/synonymous amino acid change and it is not expected to impact splicing.

Labcorp Genetics (formerly Invitae), Labcorp
Classification: Likely benign. Last evaluated: 2024-04-08. Review status: criteria provided, single submitter. Criteria: Invitae Variant Classification Sherloc (09022015). Collection method: clinical testing. Allele origin: germline.

Ambry Genetics
Classification: Likely benign for Hereditary cancer-predisposing syndrome. Last evaluated: 2020-01-31. Review status: criteria provided, single submitter. Criteria: Ambry Variant Classification Scheme 2023. Collection method: clinical testing. Allele origin: germline.